The following is an entry in ClinVar:

NM_024921.4(POF1B):c.*1380T>G

Gene: POF1B (POF1B actin binding protein; minus strand). Cytogenetic location: Xq21.1.
Variant type: single nucleotide variant.
Coding change: c.*1380T>G on transcript NM_024921.4 (MANE Select); 1380 bases downstream of the stop codon, T replaced by G.
Molecular consequence: 3 prime UTR variant.
Genome position (GRCh38, 1-based): chrX:85,278,041, A>C on the plus strand (T>G on the coding strand, the complement: POF1B is on the minus strand). VCF-style: chrX-85278041-A-C. GRCh37 (hg19) VCF-style: chrX-84533047-A-C.
Identifiers: ClinVar variation 368764 (VCV000368764.5), dbSNP rs188108033, ClinGen allele CA10654411.

ClinVar aggregate classification (germline): Benign (1 of 4 stars; one submission).

Conditions:
Premature ovarian failure 2B. Identifiers: MedGen C1845105, MONDO:0010373, OMIM 300604.

Allele frequency attached by ClinVar (database versions not stated): 1000 Genomes Project 30x 0.00104; 1000 Genomes Project 0.00132; gnomAD 0.00170; TOPMed 0.00186; gnomAD exomes 0.01003.

Submission:

Illumina Laboratory Services, Illumina
Classification: Benign for Premature ovarian failure 2B. Last evaluated: 2018-01-13. Review status: criteria provided, single submitter. Criteria: ICSL Variant Classification Criteria 13 December 2019. Collection method: clinical testing. Allele origin: germline.
Comment: This variant was observed in the ICSL laboratory as part of a predisposition screen in an ostensibly healthy population. It had not been previously curated by ICSL or reported in the Human Gene Mutation Database (HGMD: prior to June 1st, 2018), and was therefore a candidate for classification through an automated scoring system. Utilizing variant allele frequency, disease prevalence and penetrance estimates, and inheritance mode, an automated score was calculated to assess if this variant is too frequent to cause the disease. Based on the score and internal cut-off values, a variant classified as benign is not then subjected to further curation. The score for this variant resulted in a classification of benign for this disease.